The following is an entry in ClinVar:

NM_080424.4(SP110):c.1448-6T>G

Gene: SP110 (SP110 nuclear body protein; minus strand). Cytogenetic location: 2q37.1.
Variant type: single nucleotide variant.
Coding change: c.1448-6T>G on transcript NM_080424.4 (MANE Select); 6 bases into the intron before coding-DNA position 1448, T replaced by G.
Molecular consequence: intron variant.
Genome position (GRCh38, 1-based): chr2:230,177,686, A>C on the plus strand (T>G on the coding strand, the complement: SP110 is on the minus strand). VCF-style: chr2-230177686-A-C. GRCh37 (hg19) VCF-style: chr2-231042402-A-C.
Other names: c.1466-6T>G (NM_001378446.1, NM_001378445.1, NM_001378442.1 and 2 more transcripts); c.1448-6T>G (NM_004509.5, NM_001378443.1, NM_004510.4); c.1298-6T>G (NM_001378447.1).
Identifiers: ClinVar variation 578883 (VCV000578883.4), dbSNP rs201866278, ClinGen allele CA2154489.

ClinVar aggregate classification (germline): Uncertain significance (1 of 4 stars; one submission).

Conditions:
Hepatic veno-occlusive disease-immunodeficiency syndrome. Also called: Hepatic Veno-Occlusive Disease with Immunodeficiency. Identifiers: Orphanet 79124, MedGen C1856128, MONDO:0009338, OMIM 235550. Disease mechanism: loss of function.

Allele frequency attached by ClinVar (database versions not stated): ExAC 0.00005; ESP Exome Variant Server 0.00008; gnomAD 0.00001; TOPMed 0.00002.
gnomAD v4.1: 34 of 1,613,870 alleles (0.0021%); highest among the groups gnomAD compares: Non-Finnish European, 0.0025%; no homozygotes.

Submission:

Labcorp Genetics (formerly Invitae), Labcorp
Classification: Uncertain significance for Hepatic veno-occlusive disease-immunodeficiency syndrome. Last evaluated: 2022-06-28. Review status: criteria provided, single submitter. Criteria: Invitae Variant Classification Sherloc (09022015). Collection method: clinical testing. Allele origin: germline.
Comment: This sequence change falls in intron 13 of the SP110 gene. It does not directly change the encoded amino acid sequence of the SP110 protein. This variant is present in population databases (rs201866278, gnomAD 0.006%). This variant has not been reported in the literature in individuals affected with SP110-related conditions. ClinVar contains an entry for this variant (Variation ID: 578883). Algorithms developed to predict the effect of sequence changes on RNA splicing suggest that this variant may disrupt the consensus splice site. In summary, the available evidence is currently insufficient to determine the role of this variant in disease. Therefore, it has been classified as a Variant of Uncertain Significance.